The following is an entry in ClinVar:

ClinVar aggregate classification (germline): Pathogenic/Likely pathogenic. Review status: criteria provided, multiple submitters, no conflicts (2 of 4 stars). 4 submissions from 4 submitters: Pathogenic (2); Likely pathogenic (2). Last evaluated 2025-05-21.

Conditions:
Medium-chain acyl-coenzyme A dehydrogenase deficiency (ACADMD). Also called: MCADH DEFICIENCY; Medium chain acyl-CoA dehydrogenase deficiency; MCAD Deficiency; ACADM DEFICIENCY; MCADD; CARNITINE DEFICIENCY SECONDARY TO MEDIUM-CHAIN ACYL-CoA DEHYDROGENASE DEFICIENCY. Identifiers: Orphanet 42, MedGen C0220710, MONDO:0008721, OMIM 201450.

Submissions (4):

Myriad Genetics, Inc.
Classification: Likely pathogenic for Medium-chain acyl-coenzyme A dehydrogenase deficiency. Last evaluated: 2025-05-21. Review status: criteria provided, single submitter. Criteria: Myriad Autosomal Dominant, Autosomal Recessive and X-Linked Classification Criteria (2023). Collection method: clinical testing. Allele origin: unknown.
Comment: NM_000016.4(ACADM):c.253G>C(G85R) is a missense variant classified as likely pathogenic in the context of medium-chain acyl-CoA dehydrogenase deficiency. G85R has been observed in cases with relevant disease (PMID: 24294134, 25689098, 33072938, Piazza_2018_abstract). Relevant functional assessments of this variant are not available in the literature. Internal structural analysis of the variant is supportive of pathogenicity. G85R has not been observed in referenced population frequency databases. In summary, NM_000016.4(ACADM):c.253G>C(G85R) is a missense variant that has been observed more frequently in cases with the relevant disease than in healthy populations. Please note: this variant was assessed in the context of healthy population screening.

Natera, Inc.
Classification: Likely pathogenic for Medium Chain Acyl-CoA Dehydrogenase Deficiency. Last evaluated: 2025-04-18. Review status: criteria provided, single submitter. Criteria: Natera Variant Classification Schema (03/2026). Collection method: clinical testing. Allele origin: germline.
Comment: The c.253G>C variant in ACADM is a missense variant predicted to cause substitution of glycine to arginine at amino acid 85. This variant is rare in the general population with a frequency below the threshold expected for the associated phenotype(s). This variant has been observed in one or more individuals affected with the associated recessive disease, as either homozygous or compound heterozygous with a second variant (PMID: 25689098, 24294134). A different variant at the same position has been determined to be Pathogenic or Likely Pathogenic. Computational prediction algorithms indicate this variant is likely to affect gene or protein function. Given the available evidence, this variant is classified as Likely Pathogenic.

Labcorp Genetics (formerly Invitae), Labcorp
Classification: Pathogenic for Medium-chain acyl-coenzyme A dehydrogenase deficiency. Last evaluated: 2024-10-30. Review status: criteria provided, single submitter. Criteria: Invitae Variant Classification Sherloc (09022015). Collection method: clinical testing. Allele origin: germline.
Comment: This sequence change replaces glycine, which is neutral and non-polar, with arginine, which is basic and polar, at codon 85 of the ACADM protein (p.Gly85Arg). This variant is not present in population databases (gnomAD no frequency). This missense change has been observed in individual(s) with clinical features of medium-chain acyl-coenzyme A dehydrogenase deficiency (PMID: 24294134, 25689098). ClinVar contains an entry for this variant (Variation ID: 1452587). Invitae Evidence Modeling of protein sequence and biophysical properties (such as structural, functional, and spatial information, amino acid conservation, physicochemical variation, residue mobility, and thermodynamic stability) indicates that this missense variant is expected to disrupt ACADM protein function with a positive predictive value of 80%. For these reasons, this variant has been classified as Pathogenic.

Women's Health and Genetics/Laboratory Corporation of America, LabCorp
Classification: Pathogenic for Medium-chain acyl-coenzyme A dehydrogenase deficiency. Last evaluated: 2023-04-05. Review status: criteria provided, single submitter. Criteria: LabCorp Variant Classification Summary - May 2015. Collection method: clinical testing. Allele origin: germline.
Comment: Variant summary: ACADM c.253G>C (p.Gly85Arg) results in a non-conservative amino acid change located in the Acyl-CoA dehydrogenase/oxidase, N-terminal domain (IPR013786) of the encoded protein sequence. Five of five in-silico tools predict a damaging effect of the variant on protein function. The variant was absent in 251180 control chromosomes (gnomAD). c.253G>C has been reported in the literature in several homozygous individuals affected with Medium Chain Acyl-CoA Dehydrogenase Deficiency (Catarzi_2013, Scolamiero_2015, Messina_2018). These data indicate that the variant is very likely to be associated with disease. To our knowledge, no experimental evidence demonstrating an impact on protein function has been reported. One ClinVar submitter has assessed the variant since 2014: the variant was classified as pathogenic. Based on the evidence outlined above, the variant was classified as pathogenic.

Literature cited by the submitters: PubMed 25689098 (cited by 3 submitters); PubMed 24294134 (cited by 3 submitters); PubMed 35629059 (cited by Women's Health and Genetics/Laboratory Corporation of America, LabCorp); PubMed 33072938 (cited by Women's Health and Genetics/Laboratory Corporation of America, LabCorp).

NM_000016.6(ACADM):c.253G>C (p.Gly85Arg)

Gene: ACADM (acyl-CoA dehydrogenase medium chain; plus strand). Cytogenetic location: 1p31.1.
Variant type: single nucleotide variant.
Coding change: c.253G>C on transcript NM_000016.6 (MANE Select); coding-DNA position 253, G replaced by C.
Protein change: p.Gly85Arg; replaces glycine 85 with arginine.
Molecular consequence: missense variant. On other transcripts: 5 prime UTR variant (1).
Genome position (GRCh38, 1-based): chr1:75,732,889, G>C. VCF-style: chr1-75732889-G-C. GRCh37 (hg19) VCF-style: chr1-76198574-G-C.
Other names: c.253G>C (NM_000016.5); c.265G>C, p.Gly89Arg (NM_001127328.3); c.145G>C, p.Gly49Arg (NM_001286042.2); c.253G>C, p.Gly85Arg (NM_001286043.2); c.-133G>C (NM_001286044.2); short protein forms G85R, G89R, G49R.
Identifiers: ClinVar variation 1452587 (VCV001452587.8), dbSNP rs398123075, ClinGen allele CA24623144.
Genomic context (GRCh38, chr1:75,732,889, plus strand): 5'-TTAACTCAGTTCTTTTTCTTCTAGTATCCAGTCCCCCTAATTAGAAGAGCCTGGGAACTT[G>C]GTTTAATGAACACACACATTCCAGAGAACTGTGGTAAGCTTTCTTTATATTTTTAATACT-3'
Protein context (NP_000007.1, residues 75-95): VPLIRRAWEL[Gly85Arg]LMNTHIPENC